The following is an entry in ClinVar:

NM_152419.3(HGSNAT):c.1270G>A (p.Gly424Ser)

Gene: HGSNAT (heparan-alpha-glucosaminide N-acetyltransferase; plus strand). Cytogenetic location: 8p11.21.
Variant type: single nucleotide variant.
Coding change: c.1270G>A on transcript NM_152419.3 (MANE Select); coding-DNA position 1270, G replaced by A.
Protein change: p.Gly424Ser; replaces glycine 424 with serine.
Molecular consequence: missense variant.
Genome position (GRCh38, 1-based): chr8:43,192,323, G>A. VCF-style: chr8-43192323-G-A. GRCh37 (hg19) VCF-style: chr8-43047466-G-A.
Other names: c.1270G>A, p.Gly424Ser (NM_001363227.2); c.1078G>A, p.Gly360Ser (NM_001363228.2); c.406G>A, p.Gly136Ser (NM_001363229.2); short protein forms G424S, G360S, G136S.
Identifiers: ClinVar variation 558400 (VCV000558400.12), dbSNP rs747616932, ClinGen allele CA4736833.

ClinVar aggregate classification (germline): Likely pathogenic. Review status: criteria provided, multiple submitters, no conflicts (2 of 4 stars). 5 submissions from 5 submitters: Likely pathogenic (4). 1 of the submissions does not count toward it. Last evaluated 2026-01-15.

Conditions:
Retinitis pigmentosa 73 (RP73). Identifiers: Orphanet 791, MedGen C4225287, MONDO:0014687, OMIM 616544.
Mucopolysaccharidosis, MPS-III-C (MPS3C). Also called: Mucopolysaccharidosis type IIIC (Sanfilippo C); SANFILIPPO SYNDROME C; MUCOPOLYSACCHARIDOSIS, TYPE IIIC; mucopolysaccharidosis type 3C; MPS IIIC (Sanfilippo Syndrome Type C); MPS III C. Identifiers: Orphanet 581, Orphanet 79271, MedGen C0086649, MONDO:0009657, OMIM 252930.
Sanfilippo syndrome. Also called: Sanfilippo disease; Mucopolysaccharidosis type 3; Mucopolysaccharidosis Type III. Identifiers: Orphanet 581, MedGen C0026706, MONDO:0018937.

Allele frequency attached by ClinVar (database versions not stated): gnomAD exomes below 0.00001; TOPMed below 0.00001; ExAC 0.00001.
gnomAD v4.1: 1 of 1,609,012 alleles (0.000062%); highest among the groups gnomAD compares: Non-Finnish European, 0.000085%; no homozygotes.

Submissions (5):

Natera, Inc.
Classification: Likely pathogenic for Mucopolysaccharidosis type IIIC. Last evaluated: 2026-01-15. Review status: criteria provided, single submitter. Criteria: Natera Variant Classification Schema (03/2026). Collection method: clinical testing. Allele origin: germline.
Comment: The c.1270G>A variant in HGSNAT is a missense variant predicted to cause substitution of glycine to serine at amino acid 424. This variant is rare in the general population with a frequency below the threshold expected for the associated phenotype(s). This variant has been observed in one or more individuals affected with the associated recessive disease, as either homozygous or compound heterozygous with a second variant (PMID: 24767253, 17033958). Functional studies show that this variant may disrupt protein function (PMID: 19823584). Computational prediction algorithms indicate this variant is likely to affect gene or protein function. Given the available evidence, this variant is classified as Likely Pathogenic.

Fulgent Genetics
Classification: Likely pathogenic for Mucopolysaccharidosis, MPS-III-C; Retinitis pigmentosa 73. Last evaluated: 2024-03-12. Review status: criteria provided, single submitter. Criteria: ACMG Guidelines, 2015. Collection method: clinical testing. Allele origin: germline.

Labcorp Genetics (formerly Invitae), Labcorp
Classification: Likely pathogenic for Retinitis pigmentosa 73; Mucopolysaccharidosis, MPS-III-C. Last evaluated: 2022-12-15. Review status: criteria provided, single submitter. Criteria: Invitae Variant Classification Sherloc (09022015). Collection method: clinical testing. Allele origin: germline.
Comment: This sequence change replaces glycine, which is neutral and non-polar, with serine, which is neutral and polar, at codon 424 of the HGSNAT protein (p.Gly424Ser). The frequency data for this variant in the population databases is considered unreliable, as metrics indicate poor data quality at this position in the gnomAD database. This missense change has been observed in individual(s) with mucomucopolysaccharidosis type III and/or mucopolysaccharidosis type III (PMID: 17033958, 24767253). In at least one individual the data is consistent with being in trans (on the opposite chromosome) from a pathogenic variant. This variant is also known as p.G452S with gene alias TMEM76. ClinVar contains an entry for this variant (Variation ID: 558400). Advanced modeling of protein sequence and biophysical properties (such as structural, functional, and spatial information, amino acid conservation, physicochemical variation, residue mobility, and thermodynamic stability) performed at Invitae indicates that this missense variant is expected to disrupt HGSNAT protein function. Experimental studies have shown that this missense change affects HGSNAT function (PMID: 19823584, 20583299). This variant disrupts the p.Gly424 amino acid residue in HGSNAT. Other variant(s) that disrupt this residue have been observed in individuals with HGSNAT-related conditions (PMID: 20825431), which suggests that this may be a clinically significant amino acid residue. In summary, the currently available evidence indicates that the variant is pathogenic, but additional data are needed to prove that conclusively. Therefore, this variant has been classified as Likely Pathogenic.

Women's Health and Genetics/Laboratory Corporation of America, LabCorp
Classification: Likely pathogenic for Sanfilippo syndrome. Last evaluated: 2022-08-12. Review status: criteria provided, single submitter. Criteria: LabCorp Variant Classification Summary - May 2015. Collection method: clinical testing. Allele origin: germline.
Comment: Variant summary: HGSNAT c.1270G>A (p.Gly424Ser) results in a non-conservative amino acid change in the encoded protein sequence. Four of four in-silico tools predict a damaging effect of the variant on protein function. The variant allele was found at a frequency of 4.1e-06 in 241552 control chromosomes (gnomAD). c.1270G>A has been reported in the literature as a biallelic genotype in individuals affected with Mucopolysaccharidosis Type IIIC (Sanfilippo Syndrome C; Hrebicek_2006, Fernandez-Marmiesse_2014). These data indicate that the variant may be associated with disease. Two independent experimental evaluations report that the variant causes misfolding of the protein and prevents normal glycosylation, which results in the protein being retained and degraded in the ER (Feldhammer_2009, Fedele_2010). Two ClinVar submitters have assessed the variant since 2014: one classified the variant as likely pathogenic, and one as uncertain significance. Based on the evidence outlined above, the variant was classified as likely pathogenic.

Counsyl
Classification: Uncertain significance for Mucopolysaccharidosis, MPS-III-C. Last evaluated: 2018-05-18. Review status: no assertion criteria provided. Collection method: clinical testing. Allele origin: unknown. Not counted in ClinVar's aggregate classification.

Literature cited by the submitters: PubMed 24767253 (cited by 4 submitters); PubMed 17033958 (cited by 4 submitters); PubMed 19823584 (cited by 4 submitters); PubMed 20583299 (cited by 3 submitters); PubMed 20825431 (cited by Labcorp Genetics (formerly Invitae), Labcorp).